The following is an entry in ClinVar:

NM_014208.3(DSPP):c.1802G>T (p.Ser601Ile)

Genes: DMP1-AS1 (DMP1 and DSPP antisense RNA 1; minus strand), DSPP (dentin sialophosphoprotein; plus strand). Cytogenetic location: 4q22.1.
Variant type: single nucleotide variant.
Coding change: c.1802G>T on transcript NM_014208.3 (MANE Select); coding-DNA position 1802, G replaced by T.
Protein change: p.Ser601Ile; replaces serine 601 with isoleucine.
Molecular consequence: missense variant.
Genome position (GRCh38, 1-based): chr4:87,614,464, G>T. VCF-style: chr4-87614464-G-T. GRCh37 (hg19) VCF-style: chr4-88535616-G-T.
Other names: short protein forms S601I.
Identifiers: ClinVar variation 4992428 (VCV004992428.1).
Genomic context (GRCh38, chr4:87,614,464, plus strand): 5'-ACAGCAGTGACAGTGACAGCAGTGATAGCAGTGACAGTGATAGTAGTGATAGCAGCAATA[G>T]CAGTGACAGTAGTGACAGCAGTGATAGCAGTGACAGTAGTGATAGTAGTGACAGCAGTGA-3'
Protein context (NP_055023.2, residues 591-611): SDSDSSDSSN[Ser601Ile]SDSSDSSDSS

ClinVar aggregate classification (germline): Likely benign (1 of 4 stars; one submission).

Conditions:
DSPP-related disorder. Also called: DSPP-related condition.

gnomAD v4.1: 145 of 1,552,158 alleles (0.0093%); highest among the groups gnomAD compares: East Asian, 0.35%; no homozygotes.

Submission:

PreventionGenetics, part of Exact Sciences
Classification: Likely benign for DSPP-related condition. Last evaluated: 2024-10-26. Review status: criteria provided, single submitter. Criteria: ACMG Guidelines, 2015. Collection method: clinical testing. Allele origin: germline.
Comment: This variant is classified as likely benign based on ACMG/AMP sequence variant interpretation guidelines (Richards et al. 2015 PMID: 25741868, with internal and published modifications).